The following is an entry in ClinVar:

NM_000216.4(ANOS1):c.1062+1del

Gene: ANOS1 (anosmin 1; minus strand). Cytogenetic location: Xp22.31.
Variant type: Deletion.
Coding change: c.1062+1del on transcript NM_000216.4 (MANE Select); the canonical splice donor site of the intron after coding-DNA position 1062, one base deleted (G; older notation c.1062+1delG).
Molecular consequence: splice donor variant.
Genome position (GRCh38, 1-based): chrX:8,570,498, C deleted on the plus strand (G on the coding strand, the reverse complement: ANOS1 is on the minus strand); the first of 4 consecutive C bases (chrX:8,570,498-8,570,501); deleting any one gives the same sequence. VCF-style (leftmost placement, unchanged base first): chrX-8570497-AC-A. GRCh37 (hg19) VCF-style: chrX-8538538-AC-A.
Other names: c.1062+1del (NM_001440775.1).
Identifiers: ClinVar variation 4293144 (VCV004293144.1).

ClinVar aggregate classification (germline): Likely pathogenic (1 of 4 stars; one submission).

Conditions:
Hypogonadotropic hypogonadism 1 with or without anosmia (HH1). Also called: Kallmann syndrome, type 1, X-linked; DYSPLASIA OLFACTOGENITALIS OF DE MORSIER; HYPOGONADOTROPIC HYPOGONADISM 1 WITH ANOSMIA; KAL1-Related GnRH Deficiency (Kallmann Syndrome 1; Kallmann Syndrome, X-Linked); Hypogonadotropic hypogonadism 1 with or without anosmia (Kallmann syndrome 1); HYPOGONADOTROPIC HYPOGONADISM AND ANOSMIA. Identifiers: Orphanet 478, MedGen C1563719, MONDO:0010635, OMIM 308700. Disease mechanism: loss of function.

Submission:

3billion
Classification: Likely pathogenic for Hypogonadotropic hypogonadism 1 with or without anosmia. Last evaluated: 2024-06-28. Review status: criteria provided, single submitter. Criteria: ACMG Guidelines, 2015. Collection method: clinical testing. Allele origin: germline. Affected: yes.
Comment: The variant is not observed in the gnomAD v4.0.0 dataset. Predicted Consequence/Location: Canonical splice site: predicted to alter splicing and result in a loss or disruption of normal protein function. Multiple pathogenic loss-of-function variants are reported downstream of the variant. Therefore, this variant is classified as Likely pathogenic according to the recommendation of ACMG/AMP guideline.